The following is an entry in ClinVar:

ClinVar aggregate classification (germline): Conflicting classifications of pathogenicity. Review status: criteria provided, conflicting classifications (1 of 4 stars). 2 submissions from 2 submitters: Uncertain significance (1); Benign (1). Last evaluated 2025-10-11.

Conditions:
Tuberous sclerosis 2 (TSC2). Identifiers: Orphanet 805, MedGen C1860707, MONDO:0013199, OMIM 613254.
Hereditary cancer-predisposing syndrome. Also called: Hereditary Cancer Syndrome; Tumor predisposition; Neoplastic Syndromes, Hereditary; Hereditary neoplastic syndrome. Identifiers: Orphanet 140162, MedGen C0027672, MeSH D009386, MONDO:0015356.

Allele frequency attached by ClinVar (database versions not stated): gnomAD exomes below 0.00001.
gnomAD v4.1: 2 of 1,614,192 alleles (0.00012%); highest among the groups gnomAD compares: Middle Eastern, 0.033%; no homozygotes.

Submissions (2):

Labcorp Genetics (formerly Invitae), Labcorp
Classification: Benign for Tuberous sclerosis 2. Last evaluated: 2025-10-11. Review status: criteria provided, single submitter. Criteria: Invitae Variant Classification Sherloc (09022015). Collection method: clinical testing. Allele origin: germline.

Ambry Genetics
Classification: Uncertain significance for Hereditary cancer-predisposing syndrome. Last evaluated: 2025-05-01. Review status: criteria provided, single submitter. Criteria: Ambry Variant Classification Scheme 2023. Collection method: clinical testing. Allele origin: germline.
Comment: The c.549G>A variant (also known as p.L183L), located in coding exon 5 of the TSC2 gene, results from a G to A substitution at nucleotide position 549. This nucleotide substitution does not change the leucine at codon 183. This nucleotide position is well conserved in available vertebrate species. In silico splice site analysis predicts that this alteration may weaken the native splice donor site. Based on the available evidence, the clinical significance of this variant remains unclear.

NM_000548.5(TSC2):c.549G>A (p.Leu183=)

Gene: TSC2 (TSC complex subunit 2; plus strand). Cytogenetic location: 16p13.3.
Variant type: single nucleotide variant.
Coding change: c.549G>A on transcript NM_000548.5 (MANE Select); coding-DNA position 549, G replaced by A.
Protein change: p.Leu183=; no amino-acid change (leucine 183 retained).
Molecular consequence: synonymous variant. On other transcripts: 5 prime UTR variant (13), non-coding transcript variant (5), intron variant (6).
Genome position (GRCh38, 1-based): chr16:2,055,469, G>A. VCF-style: chr16-2055469-G-A. GRCh37 (hg19) VCF-style: chr16-2105470-G-A.
Other names: c.549G>A, p.Leu183= (NM_001077183.3, NM_001114382.3, NM_001363528.2 and 8 more transcripts); c.438G>A, p.Leu146= (NM_001318827.2, NM_001406670.1, NM_001406678.1); c.402G>A, p.Leu134= (NM_001318829.2, NM_001406675.1, NM_001406676.1 and 1 more transcripts); c.582G>A, p.Leu194= (NM_001318832.2); c.639G>A, p.Leu213= (NM_001406667.1, NM_001406668.1); c.492G>A, p.Leu164= (NM_001406677.1); c.-268G>A (NM_001406680.1, NM_001406683.1, NM_001406687.1); c.87G>A, p.Leu29= (NM_001406681.1); and 6 more.
Identifiers: ClinVar variation 2044666 (VCV002044666.5), dbSNP rs1415519717, ClinGen allele CA492955808.
Genomic context (GRCh38, chr16:2,055,469, plus strand): 5'-TGTCCTGCAGTGGATGGATGTTGGCTTGTCCTCGGAATTCCTTCTGGTGCTGGTGAACTT[G>A]GTCAAATTCAATAGCTGTTACCTCGACGAGTACATCGCAAGGATGGTTCAGTAAGAAAAG-3'
Protein context (NP_000539.2, residues 173-193): SSEFLLVLVN[Leu183=]VKFNSCYLDE